The following is an entry in ClinVar:

NM_206933.4(USH2A):c.14993C>T (p.Thr4998Met)

Gene: USH2A (usherin; minus strand). Cytogenetic location: 1q41.
Variant type: single nucleotide variant.
Coding change: c.14993C>T on transcript NM_206933.4 (MANE Select); coding-DNA position 14993, C replaced by T.
Protein change: p.Thr4998Met; replaces threonine 4998 with methionine.
Molecular consequence: missense variant.
Genome position (GRCh38, 1-based): chr1:215,639,214, G>A on the plus strand (C>T on the coding strand, the complement: USH2A is on the minus strand). VCF-style: chr1-215639214-G-A. GRCh37 (hg19) VCF-style: chr1-215812556-G-A.
Other names: short protein forms T4998M.
Identifiers: ClinVar variation 2073165 (VCV002073165.2), dbSNP rs202171991, ClinGen allele CA1392838.

ClinVar aggregate classification (germline): Uncertain significance. Review status: criteria provided, multiple submitters, no conflicts (2 of 4 stars). 2 submissions from 2 submitters: Uncertain significance (2). Last evaluated 2023-05-22.

Allele frequency attached by ClinVar (database versions not stated): gnomAD 0.00007; TOPMed 0.00008.
gnomAD v4.1: 109 of 1,613,992 alleles (0.0068%); highest among the groups gnomAD compares: South Asian, 0.016%; 2 homozygotes.

Submissions (2):

Blueprint Genetics
Classification: Uncertain significance. Last evaluated: 2023-05-22. Review status: criteria provided, single submitter. Criteria: ACMG Guidelines, 2015. Collection method: clinical testing. Allele origin: germline.

Labcorp Genetics (formerly Invitae), Labcorp
Classification: Uncertain significance. Last evaluated: 2022-08-09. Review status: criteria provided, single submitter. Criteria: Invitae Variant Classification Sherloc (09022015). Collection method: clinical testing. Allele origin: germline.
Comment: This sequence change replaces threonine, which is neutral and polar, with methionine, which is neutral and non-polar, at codon 4998 of the USH2A protein (p.Thr4998Met). This variant is present in population databases (rs202171991, gnomAD 0.01%). This variant has not been reported in the literature in individuals affected with USH2A-related conditions. Algorithms developed to predict the effect of missense changes on protein structure and function are either unavailable or do not agree on the potential impact of this missense change (SIFT: "Tolerated"; PolyPhen-2: "Possibly Damaging"; Align-GVGD: "Class C0"). In summary, the available evidence is currently insufficient to determine the role of this variant in disease. Therefore, it has been classified as a Variant of Uncertain Significance.